The following is an entry in ClinVar:

NM_020297.4(ABCC9):c.-14_-8del

Gene: ABCC9 (ATP binding cassette subfamily C member 9; minus strand). Cytogenetic location: 12p12.1.
Variant type: Deletion.
Coding change: c.-14_-8del on transcript NM_020297.4 (MANE Select); 14 bases upstream of the start codon through 8 bases upstream of the start codon, 7 bases deleted (CCATATA; older notation c.-14_-8delCCATATA).
Molecular consequence: 5 prime UTR variant.
Genome position (GRCh38, 1-based): chr12:21,936,682-21,936,688, TATATGG deleted on the plus strand (CCATATA on the coding strand, the reverse complement: ABCC9 is on the minus strand); deleting any 7 consecutive bases within chr12:21,936,682-21,936,689 gives the same sequence; the c. name uses the placement nearest the transcript's 3' end. VCF-style (leftmost placement, unchanged base first): chr12-21936681-TTATATGG-T. GRCh37 (hg19) VCF-style: chr12-22089615-TTATATGG-T.
Other names: c.-14_-8del (NM_001377273.1, NM_005691.4); c.-468_-462del (NM_001377274.1).
Identifiers: ClinVar variation 228422 (VCV000228422.4), dbSNP rs746420722, ClinGen allele CA6481968.

ClinVar aggregate classification (germline): Uncertain significance (1 of 4 stars; one submission).

Submission:

Laboratory for Molecular Medicine, Mass General Brigham Personalized Medicine
Classification: Uncertain significance. Last evaluated: 2015-04-17. Review status: criteria provided, single submitter. Criteria: LMM Criteria. Collection method: clinical testing. Allele origin: germline. Observed: 1 variant allele.
Comment: The c.-14_-8del variant in ABCC9 has not been previously identified in individua ls with cardiomyopathy, but has been identified in 1/16418 South Asian chromosom es by the Exome Aggregation Consortium (ExAC). T his variant is located in the 5' untranslated region (UTR) and it is unclear if this deletion would impact protein expression or function. In summary, the clini cal significance of the c.-14_-8del variant is uncertain.